The following is an entry in ClinVar:

ClinVar aggregate classification (germline): Likely benign (0 of 4 stars; one submission).

Conditions:
CFTR-related disorder (CFTR-RD). Also called: CFTR-related condition; CFTR-related disorders. Identifiers: MedGen C5924204, MONDO:7770004.

Allele frequency attached by ClinVar (database versions not stated): TOPMed below 0.00001; gnomAD 0.00001.
gnomAD v4.1: 2 of 152,150 alleles (0.0013%); highest among the groups gnomAD compares: African/African-American, 0.0048%; no homozygotes.

Submission:

PreventionGenetics, part of Exact Sciences
Classification: Likely benign for CFTR-related condition. Last evaluated: 2022-04-12. Review status: no assertion criteria provided. Collection method: clinical testing. Allele origin: germline.
Comment: This variant is classified as likely benign based on ACMG/AMP sequence variant interpretation guidelines (Richards et al. 2015 PMID: 25741868, with internal and published modifications).

NM_000492.4(CFTR):c.3469-305T>C

Genes: CFTR (CF transmembrane conductance regulator; plus strand), CFTR-AS2 (CFTR antisense RNA 2; minus strand). Cytogenetic location: 7q31.2.
Variant type: single nucleotide variant.
Coding change: c.3469-305T>C on transcript NM_000492.4 (MANE Select); 305 bases into the intron before coding-DNA position 3469, T replaced by C.
Molecular consequence: intron variant.
Genome position (GRCh38, 1-based): chr7:117,627,217, T>C. VCF-style: chr7-117627217-T-C. GRCh37 (hg19) VCF-style: chr7-117267271-T-C.
Identifiers: ClinVar variation 3045020 (VCV003045020.2), dbSNP rs1792663479, ClinGen allele CA1106320794.